The following is an entry in ClinVar:

NM_001277115.2(DNAH11):c.495+1G>T

Gene: DNAH11 (dynein axonemal heavy chain 11; plus strand). Cytogenetic location: 7p15.3.
Variant type: single nucleotide variant.
Coding change: c.495+1G>T on transcript NM_001277115.2 (MANE Select); the canonical splice donor site of the intron after coding-DNA position 495, G replaced by T.
Molecular consequence: splice donor variant.
Genome position (GRCh38, 1-based): chr7:21,545,150, G>T. VCF-style: chr7-21545150-G-T. GRCh37 (hg19) VCF-style: chr7-21584768-G-T.
Identifiers: ClinVar variation 1744329 (VCV001744329.5), dbSNP rs377623604, ClinGen allele CA4178678.

ClinVar aggregate classification (germline): Conflicting classifications of pathogenicity. Review status: criteria provided, conflicting classifications (1 of 4 stars). 2 submissions from 2 submitters: Likely pathogenic (1); Uncertain significance (1). Last evaluated 2023-06-11.

Conditions:
Primary ciliary dyskinesia. Also called: Ciliary dyskinesia. Identifiers: Orphanet 244, MedGen C0008780, MONDO:0016575, HP:0012265.

Allele frequency attached by ClinVar (database versions not stated): ExAC 0.00001; TOPMed 0.00002; ESP Exome Variant Server 0.00008.
gnomAD v4.1: 6 of 1,606,242 alleles (0.00037%); highest among the groups gnomAD compares: Non-Finnish European, 0.00051%; no homozygotes.

Submissions (2):

Labcorp Genetics (formerly Invitae), Labcorp
Classification: Likely pathogenic for Primary ciliary dyskinesia. Last evaluated: 2023-06-11. Review status: criteria provided, single submitter. Criteria: Invitae Variant Classification Sherloc (09022015). Collection method: clinical testing. Allele origin: germline.
Comment: Algorithms developed to predict the effect of sequence changes on RNA splicing suggest that this variant may disrupt the consensus splice site. In summary, the currently available evidence indicates that the variant is pathogenic, but additional data are needed to prove that conclusively. Therefore, this variant has been classified as Likely Pathogenic. ClinVar contains an entry for this variant (Variation ID: 1744329). This sequence change affects a donor splice site in intron 2 of the DNAH11 gene. It is expected to disrupt RNA splicing. Variants that disrupt the donor or acceptor splice site typically lead to a loss of protein function (PMID: 16199547), and loss-of-function variants in DNAH11 are known to be pathogenic (PMID: 18022865, 20513915, 22184204). The frequency data for this variant in the population databases is considered unreliable, as metrics indicate poor data quality at this position in the gnomAD database. This variant has not been reported in the literature in individuals affected with DNAH11-related conditions.

Ambry Genetics
Classification: Uncertain significance for Primary ciliary dyskinesia. Last evaluated: 2022-08-04. Review status: criteria provided, single submitter. Criteria: Ambry Variant Classification Scheme 2023. Collection method: clinical testing. Allele origin: germline.
Comment: The c.495+1G>T intronic variant results from a G to T substitution one nucleotide after coding exon 2 of the DNAH11 gene. Alterations that disrupt the canonical splice site are expected to cause aberrant splicing. In silico splice site analysis predicts that this alteration will weaken the native splice donor site and may result in the creation or strengthening of a novel splice donor site. The resulting transcript is predicted to be in-frame and is not expected to trigger nonsense-mediated mRNA decay; however, direct evidence is unavailable. The exact functional effect of the altered amino acid sequence is unknown. This nucleotide position is highly conserved in available vertebrate species. Since supporting evidence is limited at this time, the clinical significance of this alteration remains unclear.

Literature cited by the submitters: PubMed 16199547 (cited by Labcorp Genetics (formerly Invitae), Labcorp); PubMed 18022865 (cited by Labcorp Genetics (formerly Invitae), Labcorp); PubMed 20513915 (cited by Labcorp Genetics (formerly Invitae), Labcorp); PubMed 22184204 (cited by Labcorp Genetics (formerly Invitae), Labcorp).